The following is an entry in ClinVar:

NC_000018.9:g.(?_44121729)_(44127031_?)del

Gene: LOXHD1 (lipoxygenase homology PLAT domains 1; minus strand). Cytogenetic location: 18q21.1.
Variant type: Deletion.
Identifiers: ClinVar variation 2427297 (VCV002427297.4).

ClinVar aggregate classification (germline): Pathogenic (1 of 4 stars; one submission).

Submission:

Labcorp Genetics (formerly Invitae), Labcorp
Classification: Pathogenic. Last evaluated: 2023-04-14. Review status: criteria provided, single submitter. Criteria: Invitae Variant Classification Sherloc (09022015). Collection method: clinical testing. Allele origin: germline.
Comment: For these reasons, this variant has been classified as Pathogenic. A similar copy number variant has been observed in individual(s) with deafness (PMID: 32747562). This variant is a gross deletion of the genomic region encompassing exon(s) 22-25 of the LOXHD1 gene. This deletion is out-of-frame, and is expected to create a premature termination codon and result in an absent or disrupted protein product. Loss-of-function variants in LOXHD1 are known to be pathogenic (PMID: 19732867, 21465660, 25792669).

Literature cited by the submitters: PubMed 32747562; PubMed 19732867; PubMed 21465660; PubMed 25792669.